The following is an entry in ClinVar:

NM_003924.4(PHOX2B):c.78G>A (p.Leu26=)

Genes: PHOX2B-AS1 (PHOX2B antisense RNA 1; plus strand), PHOX2B (paired like homeobox 2B; minus strand). Cytogenetic location: 4p13.
Variant type: single nucleotide variant.
Coding change: c.78G>A on transcript NM_003924.4 (MANE Select); coding-DNA position 78, G replaced by A.
Protein change: p.Leu26=; no amino-acid change (leucine 26 retained).
Molecular consequence: synonymous variant.
Genome position (GRCh38, 1-based): chr4:41,748,533, C>T on the plus strand (G>A on the coding strand, the complement: PHOX2B is on the minus strand). VCF-style: chr4-41748533-C-T. GRCh37 (hg19) VCF-style: chr4-41750550-C-T.
Identifiers: ClinVar variation 1134689 (VCV001134689.12), dbSNP rs746854983, ClinGen allele CA2901610.

ClinVar aggregate classification (germline): Conflicting classifications of pathogenicity. Review status: criteria provided, conflicting classifications (1 of 4 stars). 3 submissions from 3 submitters: Uncertain significance (1); Likely benign (2). Last evaluated 2023-08-11.

Conditions:
Haddad syndrome (OHD). Also called: Ondine-Hirschsprung disease. Identifiers: Orphanet 99803, MedGen C1859049, MONDO:0020493.
Hereditary cancer-predisposing syndrome. Also called: Neoplastic Syndromes, Hereditary; Hereditary Cancer Syndrome; Tumor predisposition; Hereditary neoplastic syndrome. Identifiers: Orphanet 140162, MedGen C0027672, MeSH D009386, MONDO:0015356.

Allele frequency attached by ClinVar (database versions not stated): gnomAD exomes below 0.00001; ExAC 0.00001; gnomAD 0.00002; TOPMed 0.00004.
gnomAD v4.1: 4 of 1,614,054 alleles (0.00025%); highest among the groups gnomAD compares: African/African-American, 0.0053%; no homozygotes.

Submissions (3):

Labcorp Genetics (formerly Invitae), Labcorp
Classification: Likely benign for Haddad syndrome. Last evaluated: 2023-08-11. Review status: criteria provided, single submitter. Criteria: Invitae Variant Classification Sherloc (09022015). Collection method: clinical testing. Allele origin: germline.

GeneDx
Classification: Uncertain significance. Last evaluated: 2021-06-10. Review status: criteria provided, single submitter. Criteria: GeneDx Variant Classification Process June 2021. Collection method: clinical testing. Allele origin: germline. Affected: yes.
Comment: Not observed at significant frequency in large population cohorts (Lek 2016); In silico analysis supports that this variant does not alter splicing; Has not been previously published as pathogenic or benign to our knowledge; This variant is associated with the following publications: (PMID: 27535533)

Ambry Genetics
Classification: Likely benign for Hereditary cancer-predisposing syndrome. Last evaluated: 2020-11-19. Review status: criteria provided, single submitter. Criteria: Ambry Variant Classification Scheme 2023. Collection method: clinical testing. Allele origin: germline.